The following is an entry in ClinVar:

ClinVar aggregate classification (germline): Conflicting classifications of pathogenicity. Review status: criteria provided, conflicting classifications (1 of 4 stars). 4 submissions from 4 submitters: Uncertain significance (3); Likely benign (1). Last evaluated 2026-01-20.

Allele frequency attached by ClinVar (database versions not stated): gnomAD 0.00003; TOPMed 0.00003; ExAC 0.00005; ESP Exome Variant Server 0.00008.

Submissions (4):

Women's Health and Genetics/Laboratory Corporation of America, LabCorp
Classification: Uncertain significance. Last evaluated: 2026-01-20. Review status: criteria provided, single submitter. Criteria: LabCorp Variant Classification Summary - May 2015. Collection method: clinical testing. Allele origin: germline.
Comment: Variant summary: SPTBN2 c.3248G>A (p.Arg1083His) results in a non-conservative amino acid change in the encoded protein sequence. Algorithms developed to predict the effect of missense changes on protein structure and function are either unavailable or do not agree on the potential impact of this missense change. The variant allele was found at a frequency of 3.8e-05 in 236098 control chromosomes. The available data on variant occurrences in the general population are insufficient to allow any conclusion about variant significance. To our knowledge, no occurrence of c.3248G>A in individuals affected with SPTBN2-related conditions and no experimental evidence demonstrating its impact on protein function have been reported. ClinVar contains an entry for this variant (Variation ID: 806701). Based on the evidence outlined above, the variant was classified as uncertain significance.

Labcorp Genetics (formerly Invitae), Labcorp
Classification: Likely benign. Last evaluated: 2024-10-26. Review status: criteria provided, single submitter. Criteria: Invitae Variant Classification Sherloc (09022015). Collection method: clinical testing. Allele origin: germline.

Athena Diagnostics
Classification: Uncertain significance. Last evaluated: 2023-01-11. Review status: criteria provided, single submitter. Criteria: Athena Diagnostics Criteria. Collection method: clinical testing. Allele origin: unknown.
Comment: Available data are insufficient to determine the clinical significance of the variant at this time. The frequency of this variant in the general population is higher than would generally be expected for pathogenic variants in this gene. Computational tools disagree on the variant's effect on normal protein function.

CeGaT Center for Human Genetics Tuebingen
Classification: Uncertain significance. Last evaluated: 2019-06-01. Review status: criteria provided, single submitter. Criteria: CeGaT Center For Human Genetics Tuebingen Variant Classification Criteria Version 2. Collection method: clinical testing. Allele origin: germline. Affected: yes. Observed: 1 variant allele.

NM_006946.4(SPTBN2):c.3248G>A (p.Arg1083His)

Gene: SPTBN2 (spectrin beta, non-erythrocytic 2; minus strand). Cytogenetic location: 11q13.2.
Variant type: single nucleotide variant.
Coding change: c.3248G>A on transcript NM_006946.4 (MANE Select); coding-DNA position 3248, G replaced by A.
Protein change: p.Arg1083His; replaces arginine 1083 with histidine.
Molecular consequence: missense variant.
Genome position (GRCh38, 1-based): chr11:66,700,851, C>T on the plus strand (G>A on the coding strand, the complement: SPTBN2 is on the minus strand). VCF-style: chr11-66700851-C-T. GRCh37 (hg19) VCF-style: chr11-66468322-C-T.
Other names: c.3248G>A (NM_006946.2); short protein forms R1083H.
Identifiers: ClinVar variation 806701 (VCV000806701.46), dbSNP rs367949397, ClinGen allele CA6128901.